The following is an entry in ClinVar:

NM_003000.3(SDHB):c.406A>G (p.Ile136Val)

Gene: SDHB (succinate dehydrogenase complex iron sulfur subunit B; minus strand). Cytogenetic location: 1p36.13.
Variant type: single nucleotide variant.
Coding change: c.406A>G on transcript NM_003000.3 (MANE Select); coding-DNA position 406, A replaced by G.
Protein change: p.Ile136Val; replaces isoleucine 136 with valine.
Molecular consequence: missense variant.
Genome position (GRCh38, 1-based): chr1:17,028,617, T>C on the plus strand (A>G on the coding strand, the complement: SDHB is on the minus strand). VCF-style: chr1-17028617-T-C. GRCh37 (hg19) VCF-style: chr1-17355112-T-C.
Other names: short protein forms I136V.
Identifiers: ClinVar variation 946260 (VCV000946260.10), dbSNP rs2078004347, ClinGen allele CA338274037.

ClinVar aggregate classification (germline): Conflicting classifications of pathogenicity. Review status: criteria provided, conflicting classifications (1 of 4 stars). 3 submissions from 3 submitters: Uncertain significance (2); Benign (1). Last evaluated 2023-10-16.

Conditions:
Hereditary cancer-predisposing syndrome. Also called: Hereditary neoplastic syndrome; Neoplastic Syndromes, Hereditary; Hereditary Cancer Syndrome; Tumor predisposition. Identifiers: Orphanet 140162, MedGen C0027672, MeSH D009386, MONDO:0015356.
Gastrointestinal stromal tumor. Also called: Gastrointestinal stromal tumor, somatic; Gastrointestinal stroma tumor. Identifiers: Orphanet 44890, MedGen C0238198, MeSH D046152, MONDO:0011719, OMIM 606764, HP:0100723.
Pheochromocytoma/paraganglioma syndrome 4. Also called: CAROTID BODY TUMORS AND MULTIPLE EXTRAADRENAL PHEOCHROMOCYTOMAS; SDHB-Related Hereditary Paraganglioma-Pheochromocytoma Syndrome; Paragangliomas 4; SDHB-Related Hereditary Paraganglioma-Pheochromocytoma Syndrome (Paragangliomas 4); PARAGANGLIOMA, FAMILIAL MALIGNANT; PARAGANGLIOMAS, HEREDITARY EXTRAADRENAL. Identifiers: Orphanet 29072, MedGen C1861848, MONDO:0007273, OMIM 115310.
Pheochromocytoma. Also called: MAX-Related Hereditary Paraganglioma-Pheochromocytoma Syndrome. Identifiers: Orphanet 29072, MedGen C0031511, MONDO:0008233, OMIM 171300, HP:0002666.
Ovarian cancer. Also called: OVARIAN CANCER, SOMATIC. Identifiers: Orphanet 213500, MedGen C1140680, MONDO:0008170, OMIM 167000.

Allele frequency attached by ClinVar (database versions not stated): gnomAD exomes below 0.00001.
gnomAD v4.1: 1 of 1,614,198 alleles (0.000062%); highest among the groups gnomAD compares: East Asian, 0.0022%; no homozygotes.

Submissions (3):

Labcorp Genetics (formerly Invitae), Labcorp
Classification: Uncertain significance for Gastrointestinal stromal tumor; Pheochromocytoma/paraganglioma syndrome 4; Pheochromocytoma. Last evaluated: 2023-10-16. Review status: criteria provided, single submitter. Criteria: Invitae Variant Classification Sherloc (09022015). Collection method: clinical testing. Allele origin: germline.
Comment: This sequence change replaces isoleucine, which is neutral and non-polar, with valine, which is neutral and non-polar, at codon 136 of the SDHB protein (p.Ile136Val). This variant is not present in population databases (gnomAD no frequency). This variant has not been reported in the literature in individuals affected with SDHB-related conditions. ClinVar contains an entry for this variant (Variation ID: 946260). Advanced modeling of protein sequence and biophysical properties (such as structural, functional, and spatial information, amino acid conservation, physicochemical variation, residue mobility, and thermodynamic stability) performed at Invitae indicates that this missense variant is not expected to disrupt SDHB protein function. In summary, the available evidence is currently insufficient to determine the role of this variant in disease. Therefore, it has been classified as a Variant of Uncertain Significance.

Ambry Genetics
Classification: Uncertain significance for Hereditary cancer-predisposing syndrome. Last evaluated: 2022-05-02. Review status: criteria provided, single submitter. Criteria: Ambry Variant Classification Scheme 2023. Collection method: clinical testing. Allele origin: germline.
Comment: The p.I136V variant (also known as c.406A>G), located in coding exon 4 of the SDHB gene, results from an A to G substitution at nucleotide position 406. The isoleucine at codon 136 is replaced by valine, an amino acid with highly similar properties. This amino acid position is conserved. In addition, the in silico prediction for this alteration is inconclusive. Since supporting evidence is limited at this time, the clinical significance of this alteration remains unclear.

Laboratory of Molecular Epidemiology of Birth Defects, West China Second University Hospital, Sichuan University
Classification: Benign for Ovarian cancer. Last evaluated: 2022-01-01. Review status: criteria provided, single submitter. Criteria: ACMG Guidelines, 2015. Collection method: clinical testing. Allele origin: germline. Affected: yes.